The following is an entry in ClinVar:

NM_004715.5(CTDP1):c.227C>G (p.Pro76Arg)

Gene: CTDP1 (CTD phosphatase subunit 1; plus strand). Cytogenetic location: 18q23.
Variant type: single nucleotide variant.
Coding change: c.227C>G on transcript NM_004715.5 (MANE Select); coding-DNA position 227, C replaced by G.
Protein change: p.Pro76Arg; replaces proline 76 with arginine.
Molecular consequence: missense variant.
Genome position (GRCh38, 1-based): chr18:79,680,174, C>G. VCF-style: chr18-79680174-C-G. GRCh37 (hg19) VCF-style: chr18-77440174-C-G.
Other names: c.227C>G, p.Pro76Arg (NM_001318511.2, NM_048368.4); short protein forms P76R.
Identifiers: ClinVar variation 1978169 (VCV001978169.5), dbSNP rs1379116232, ClinGen allele CA402825209.

ClinVar aggregate classification (germline): Uncertain significance (1 of 4 stars; one submission).

Allele frequency attached by ClinVar (database versions not stated): TOPMed 0.00001; gnomAD 0.00002.
gnomAD v4.1: 5 of 1,384,454 alleles (0.00036%); highest among the groups gnomAD compares: Non-Finnish European, 0.00046%; no homozygotes.

Submission:

Labcorp Genetics (formerly Invitae), Labcorp
Classification: Uncertain significance. Last evaluated: 2023-08-17. Review status: criteria provided, single submitter. Criteria: Invitae Variant Classification Sherloc (09022015). Collection method: clinical testing. Allele origin: germline.
Comment: This sequence change replaces proline, which is neutral and non-polar, with arginine, which is basic and polar, at codon 76 of the CTDP1 protein (p.Pro76Arg). This variant is present in population databases (no rsID available, gnomAD 0.007%). This variant has not been reported in the literature in individuals affected with CTDP1-related conditions. ClinVar contains an entry for this variant (Variation ID: 1978169). An algorithm developed to predict the effect of missense changes on protein structure and function (PolyPhen-2) suggests that this variant is likely to be tolerated. In summary, the available evidence is currently insufficient to determine the role of this variant in disease. Therefore, it has been classified as a Variant of Uncertain Significance.